The following is an entry in ClinVar:

ClinVar aggregate classification (germline): Pathogenic/Likely pathogenic. Review status: criteria provided, multiple submitters, no conflicts (2 of 4 stars). 14 submissions from 14 submitters: Pathogenic (12); Likely pathogenic (2). Last evaluated 2025-10-13.

Conditions:
FH-related disorder. Also called: FH-related condition; FH-related disorders.
Hereditary cancer-predisposing syndrome. Also called: Tumor predisposition; Neoplastic Syndromes, Hereditary; Hereditary neoplastic syndrome; Hereditary Cancer Syndrome. Identifiers: Orphanet 140162, MedGen C0027672, MeSH D009386, MONDO:0015356.
Hereditary leiomyomatosis and renal cell cancer. Also called: FH tumor predisposition syndrome; Reed syndrome; Multiple cutaneous and uterine leiomyomatosis; Cutaneous leiomyomata with uterine leiomyomata; Leiomyoma, hereditary multiple, of skin; Multiple cutaneous and uterine leiomyomata. Identifiers: Orphanet 523, MedGen C1708350, MONDO:0007888, OMIM 150800, HP:0007437. Disease mechanism: loss of function.
Fumarase deficiency (FMRD). Also called: Fumaric aciduria; Fumarate Hydratase Deficiency. Identifiers: Orphanet 24, MedGen C0342770, MONDO:0011730, OMIM 606812.

Allele frequency attached by ClinVar (database versions not stated): gnomAD exomes below 0.00001.
gnomAD v4.1: 1 of 1,614,178 alleles (0.000062%); highest among the groups gnomAD compares: Non-Finnish European, 0.000085%; no homozygotes.

Submissions (15):

Labcorp Genetics (formerly Invitae), Labcorp
Classification: Pathogenic. Last evaluated: 2025-10-13. Review status: criteria provided, single submitter. Criteria: Invitae Variant Classification Sherloc (09022015). Collection method: clinical testing. Allele origin: germline.
Comment: This sequence change replaces histidine, which is basic and polar, with tyrosine, which is neutral and polar, at codon 318 of the FH protein (p.His318Tyr). This variant is not present in population databases (gnomAD no frequency). This missense change has been observed in individual(s) with hereditary leiomyomatosis and renal cell cancer (HLRCC) or multiple cutaneous and uterine leiomyoma (MCUL) (PMID: 12772087, 14632190, 20618355). It has also been observed to segregate with disease in related individuals. This variant is also known as 823C>T or H275Y. ClinVar contains an entry for this variant (Variation ID: 92458). Invitae Evidence Modeling of protein sequence and biophysical properties (such as structural, functional, and spatial information, amino acid conservation, physicochemical variation, residue mobility, and thermodynamic stability) indicates that this missense variant is expected to disrupt FH protein function with a positive predictive value of 95%. For these reasons, this variant has been classified as Pathogenic.

GeneDx
Classification: Pathogenic. Last evaluated: 2025-05-05. Review status: criteria provided, single submitter. Criteria: GeneDx Variant Classification Process June 2021. Collection method: clinical testing. Allele origin: germline. Affected: yes.
Comment: In silico analysis supports that this missense variant has a deleterious effect on protein structure/function; Not observed at significant frequency in large population cohorts (gnomAD); Also known as His275Tyr; This variant is associated with the following publications: (PMID: 16237213, 21445611, 14632190, 12772087, 15761418, 26113603, 20618355, 28400895, 21398687, 16510303, 28300276, 27635946, 16597677, 29456767)

Center for Genomic Medicine, Rigshospitalet, Copenhagen University Hospital
Classification: Pathogenic. Last evaluated: 2025-03-04. Review status: criteria provided, single submitter. Criteria: ACMG Guidelines, 2015. Collection method: clinical testing. Allele origin: germline.

Natera, Inc.
Classification: Likely pathogenic for Fumarase Deficiency. Last evaluated: 2025-02-21. Review status: criteria provided, single submitter. Criteria: Natera Variant Classification Schema (03/2026). Collection method: clinical testing. Allele origin: germline.
Comment: The c.952C>T variant in FH is a missense variant predicted to cause substitution of histidine to tyrosine at amino acid 318. This variant is rare in the general population with a frequency below the threshold expected for the associated phenotype(s). This variant has been observed to segregate in affected family members (PMID: 14632190). Functional studies show that this variant may disrupt protein function (PMID: 29456767). A different variant at the same position has been determined to be Pathogenic or Likely Pathogenic. Computational prediction algorithms indicate this variant is likely to affect gene or protein function. Given the available evidence, this variant is classified as Likely Pathogenic.

Women's Health and Genetics/Laboratory Corporation of America, LabCorp
Classification: Pathogenic for Hereditary leiomyomatosis and renal cell cancer. Last evaluated: 2024-09-26. Review status: criteria provided, single submitter. Criteria: LabCorp Variant Classification Summary - May 2015. Collection method: clinical testing. Allele origin: germline.
Comment: Variant summary: FH c.952C>T (p.His318Tyr) results in a conservative amino acid change located in the Fumarate lyase, N-terminal domain (IPR022761) of the encoded protein sequence. Four of five in-silico tools predict a damaging effect of the variant on protein function. The variant was absent in 251230 control chromosomes. c.952C>T has been reported in the literature in multiple individuals affected with multiple cutaneous and uterine leiomyoma syndrome (e.g. Martinez-Mir_2003). These data indicate that the variant is very likely to be associated with disease. To our knowledge, no experimental evidence demonstrating an impact on protein function has been reported. The following publication has been ascertained in the context of this evaluation (PMID: 14632190). ClinVar contains an entry for this variant (Variation ID: 92458). Based on the evidence outlined above, the variant was classified as pathogenic.

Quest Diagnostics Nichols Institute San Juan Capistrano
Classification: Pathogenic. Last evaluated: 2024-07-02. Review status: criteria provided, single submitter. Criteria: Quest Diagnostics criteria. Collection method: clinical testing. Allele origin: unknown.
Comment: The FH c.952C>T (p.His318Tyr) variant (also known as 823C>T, H275Y) has been reported in the published literature in multiple individuals with cutaneous/uterine leiomyomas and HLRCC (PMIDs: 28300276 (2017), 28400895 (2016), 20618355 (2011), 16597677 (2006)), including two families in which this variant segregated with disease (PMIDs: 14632190 (2003), 12772087 (2003)). Functional studies indicate this variant has deleterious effects on FH protein oligomerization and enzyme activity (PMIDs: 29456767 (2018), 28300276 (2017), 16597677 (2006)). This variant has not been reported in large, multi-ethnic general populations (Genome Aggregation Database). Based on the available information, this variant is classified as pathogenic.

Blueprint Genetics
Classification: Pathogenic for FH-related disorders. Last evaluated: 2024-05-20. Review status: criteria provided, single submitter. Criteria: ACMG Guidelines, 2015. Collection method: clinical testing. Allele origin: germline. Affected: yes. Observed: 1 variant allele.

Myriad Genetics, Inc.
Classification: Pathogenic for Hereditary leiomyomatosis and renal cell cancer. Last evaluated: 2023-07-05. Review status: criteria provided, single submitter. Criteria: Myriad Autosomal Dominant, Autosomal Recessive and X-Linked Classification Criteria (2023). Collection method: clinical testing. Allele origin: unknown.
Comment: This variant is considered pathogenic. This variant has been reported in multiple individuals with clinical features of gene-specific disease [PMID: 12772087, 14632190, 20618355, 28400895]. Functional studies indicate this variant impacts protein function [PMID: 29456767]. This variant is expected to disrupt protein structure [Myriad internal data].

Ambry Genetics
Classification: Pathogenic for Hereditary cancer-predisposing syndrome. Last evaluated: 2023-03-24. Review status: criteria provided, single submitter. Criteria: Ambry Variant Classification Scheme 2023. Collection method: clinical testing. Allele origin: germline.
Comment: The p.H318Y pathogenic mutation (also known as c.952C>T), located in coding exon 7 of the FH gene, results from a C to T substitution at nucleotide position 952. The histidine at codon 318 is replaced by tyrosine, an amino acid with similar properties. This alteration has been reported in multiple individuals with hereditary leiomyomatosis and renal cell cancer (HLRCC) syndrome, and has been shown to segregate with disease in at least two unrelated families (Toro JR et al. Am. J. Hum. Genet., 2003 Jul;73:95-106; Martinez-Mir A et al. J. Invest. Dermatol., 2003 Oct;121:741-4; Pithukpakorn M et al. J. Med. Genet., 2006 Sep;43:755-62; Smit DL et al. Clin. Genet., 2011 Jan;79:49-59; Aissani B et al. Endocr. Relat. Cancer, 2015 Aug;22:633-43; Sommer LL et al. J Dermatol Case Rep, 2016 Nov;10:53-55; Muller M et al. Clin. Genet., 2017 Dec;92:606-615). In addition, biochemical analyses indicate that this alteration is defective for enzymatic activity and oligomerization (Bulku A et al. Open Biochem J, 2018 Jan;12:1-15). Of note, this alteration is also reported as c.823C>T, p.H275Y in the literature. This amino acid position is highly conserved in available vertebrate species. In addition, this alteration is predicted to be deleterious by in silico analysis. This variant is considered to be rare based on population cohorts in the Genome Aggregation Database (gnomAD). Based on the supporting evidence, this alteration is interpreted as a disease-causing mutation.

Baylor Genetics
Classification: Pathogenic for Fumarase deficiency. Last evaluated: 2023-03-16. Review status: criteria provided, single submitter. Criteria: ACMG Guidelines, 2015. Collection method: clinical testing. Allele origin: unknown.

MGZ Medical Genetics Center
Classification: Pathogenic for Hereditary leiomyomatosis and renal cell cancer. Last evaluated: 2021-12-23. Review status: criteria provided, single submitter. Criteria: ACMG Guidelines, 2015. Collection method: clinical testing. Allele origin: germline. Affected: yes. Observed: 1 variant allele.
Comment: ACMG criteria applied: PP1_STR, PS4_MOD, PM5, PM2_SUP, PP3

Fulgent Genetics
Classification: Likely pathogenic for Hereditary leiomyomatosis and renal cell cancer; Fumarase deficiency. Last evaluated: 2021-10-12. Review status: criteria provided, single submitter. Criteria: ACMG Guidelines, 2015. Collection method: clinical testing. Allele origin: unknown.

Genomic Diagnostic Laboratory, Division of Genomic Diagnostics, Children's Hospital of Philadelphia
Classification: Pathogenic for Hereditary leiomyomatosis and renal cell cancer. Last evaluated: 2017-01-17. Review status: criteria provided, single submitter. Criteria: DGD Variant Analysis Guidelines. Collection method: clinical testing. Allele origin: germline. Affected: yes. Observed: 7 variant alleles.
Comment: Clinical Testing

Eurofins Ntd Llc (ga)
Classification: Pathogenic. Last evaluated: 2013-10-22. Review status: criteria provided, single submitter. Criteria: EGL Classification Definitions 2015. Collection method: clinical testing. Allele origin: germline. Observed: 1 variant allele, 1 heterozygote.

Blake Wilde Laboratory, Roswell Park Comprehensive Cancer Center
No classification provided (evidence only). Condition: Hereditary leiomyomatosis and renal cell cancer. Review status: no classification provided. Collection method: in vitro. Allele origin: not applicable. Functional consequence: decreased enzyme activity. Not counted in ClinVar's aggregate classification.

Literature cited by the submitters: PubMed 12772087 (cited by 4 submitters); PubMed 14632190 (cited by 6 submitters); PubMed 20618355 (cited by 4 submitters); PubMed 28300276 (cited by 3 submitters); PubMed 29456767 (cited by 5 submitters); PubMed 28400895 (cited by 3 submitters); PubMed 16597677 (cited by Quest Diagnostics Nichols Institute San Juan Capistrano and Ambry Genetics); PubMed 26113603 (cited by Ambry Genetics).

NM_000143.4(FH):c.952C>T (p.His318Tyr)

Gene: FH (fumarate hydratase; minus strand). Cytogenetic location: 1q43.
Variant type: single nucleotide variant.
Coding change: c.952C>T on transcript NM_000143.4 (MANE Select); coding-DNA position 952, C replaced by T.
Protein change: p.His318Tyr; replaces histidine 318 with tyrosine.
Molecular consequence: missense variant.
Genome position (GRCh38, 1-based): chr1:241,504,198, G>A on the plus strand (C>T on the coding strand, the complement: FH is on the minus strand). VCF-style: chr1-241504198-G-A. GRCh37 (hg19) VCF-style: chr1-241667498-G-A.
Other names: p.H318Y:CAT>TAT.
Identifiers: ClinVar variation 92458 (VCV000092458.30), dbSNP rs398123168, ClinGen allele CA285329.